The following is an entry in ClinVar:

NM_177438.3(DICER1):c.5130G>A (p.Ala1710=)

Gene: DICER1 (dicer 1, ribonuclease III; minus strand). Cytogenetic location: 14q32.13.
Variant type: single nucleotide variant.
Coding change: c.5130G>A on transcript NM_177438.3 (MANE Select); coding-DNA position 5130, G replaced by A.
Protein change: p.Ala1710=; no amino-acid change (alanine 1710 retained).
Molecular consequence: synonymous variant.
Genome position (GRCh38, 1-based): chr14:95,094,122, C>T on the plus strand (G>A on the coding strand, the complement: DICER1 is on the minus strand). VCF-style: chr14-95094122-C-T. GRCh37 (hg19) VCF-style: chr14-95560459-C-T.
Other names: c.5130G>A, p.Ala1710= (NM_001195573.1, NM_001271282.3, NM_001291628.2 and 1 more transcripts).
Identifiers: ClinVar variation 543710 (VCV000543710.18), dbSNP rs769974404, ClinGen allele CA265896386.

ClinVar aggregate classification (germline): Benign/Likely benign. Review status: criteria provided, multiple submitters, no conflicts (2 of 4 stars). 3 submissions from 3 submitters: Benign (1); Likely benign (2). Last evaluated 2026-08-19.

Conditions:
DICER1-related tumor predisposition. Also called: DICER1 syndrome; DICER1-related pleuropulmonary blastoma cancer predisposition syndrome. Identifiers: Orphanet 284343, MedGen C3839822, MONDO:0100216.
Hereditary cancer-predisposing syndrome. Also called: Tumor predisposition; Neoplastic Syndromes, Hereditary; Hereditary Cancer Syndrome; Hereditary neoplastic syndrome. Identifiers: Orphanet 140162, MedGen C0027672, MeSH D009386, MONDO:0015356.

Allele frequency attached by ClinVar (database versions not stated): gnomAD exomes 0.00001.
gnomAD v4.1: 19 of 1,614,110 alleles (0.0012%); highest among the groups gnomAD compares: Admixed American, 0.0017%; no homozygotes.

Submissions (3):

Myriad Genetics, Inc.
Classification: Benign for DICER1-related tumor predisposition. Last evaluated: 2026-08-19. Review status: criteria provided, single submitter. Criteria: Myriad Autosomal Dominant, Autosomal Recessive and X-Linked Classification Criteria (2023). Collection method: clinical testing. Allele origin: unknown.
Comment: This variant is considered benign. This variant is a silent/synonymous amino acid change and it is not expected to impact splicing.

Labcorp Genetics (formerly Invitae), Labcorp
Classification: Likely benign for DICER1-related tumor predisposition. Last evaluated: 2025-08-29. Review status: criteria provided, single submitter. Criteria: Invitae Variant Classification Sherloc (09022015). Collection method: clinical testing. Allele origin: germline.

Ambry Genetics
Classification: Likely benign for Hereditary cancer-predisposing syndrome. Last evaluated: 2018-07-13. Review status: criteria provided, single submitter. Criteria: Ambry Variant Classification Scheme 2023. Collection method: clinical testing. Allele origin: germline.